The following is an entry in ClinVar:

NM_000038.6(APC):c.-18-966G>T

Gene: APC (APC regulator of WNT signaling pathway; plus strand). Cytogenetic location: 5q22.2.
Variant type: single nucleotide variant.
Coding change: c.-18-966G>T on transcript NM_000038.6 (MANE Select); 966 bases into the intron before 18 bases upstream of the start codon, G replaced by T.
Molecular consequence: intron variant.
Genome position (GRCh38, 1-based): chr5:112,753,907, G>T. VCF-style: chr5-112753907-G-T. GRCh37 (hg19) VCF-style: chr5-112089604-G-T.
Other names: c.-18-966G>T (NM_001354895.2, NM_001127510.3, NM_001354896.2 and 2 more transcripts); c.166-12419G>T (NM_001354897.2, NM_001354902.2, NM_001127511.3); c.61-12419G>T (NM_001354898.2, NM_001354904.2); c.-1053-966G>T (NM_001354906.2); c.-42-12419G>T (NM_001354900.2, NM_001354901.2, NM_001354905.2).
Identifiers: ClinVar variation 82812 (VCV000082812.2), dbSNP rs74698368, ClinGen allele CA006276.

ClinVar aggregate classification (germline): other (0 of 4 stars; one submission).

Conditions:
Familial colorectal cancer. Identifiers: MedGen CN280943, MONDO:0023113. Disease mechanism: loss of function.

Submission:

Systems Biology Platform Zhejiang California International NanoSystems Institute
Classification: other for Familial colorectal cancer. Review status: no assertion criteria provided. Collection method: not provided. Allele origin: unknown.
ClinVar note: Converted during submission from cancer to other.